The following is an entry in ClinVar:

NM_053025.4(MYLK):c.943C>T (p.Gln315Ter)

Gene: MYLK (myosin light chain kinase; minus strand). Cytogenetic location: 3q21.1.
Variant type: single nucleotide variant.
Coding change: c.943C>T on transcript NM_053025.4 (MANE Select); coding-DNA position 943, C replaced by T.
Protein change: p.Gln315Ter; replaces glutamine 315 with a stop codon.
Molecular consequence: nonsense.
Genome position (GRCh38, 1-based): chr3:123,734,053, G>A on the plus strand (C>T on the coding strand, the complement: MYLK is on the minus strand). VCF-style: chr3-123734053-G-A. GRCh37 (hg19) VCF-style: chr3-123452900-G-A.
Other names: c.415C>T, p.Gln139Ter (NM_001321309.2); c.943C>T, p.Gln315Ter (NM_053026.4, NM_053027.4, NM_053028.4); short protein forms Q139*, Q315*.
Identifiers: ClinVar variation 2782044 (VCV002782044.3), dbSNP rs953477300, ClinGen allele CA82943081.

ClinVar aggregate classification (germline): Uncertain significance (1 of 4 stars; one submission).

Conditions:
Aortic aneurysm, familial thoracic 7 (AAT7). Also called: AORTIC DISSECTION, FAMILIAL, WITH OR WITHOUT AORTIC ANEURYSM. Identifiers: MedGen C3151077, MONDO:0013418, OMIM 613780.

Allele frequency attached by ClinVar (database versions not stated): gnomAD exomes below 0.00001; TOPMed below 0.00001; gnomAD 0.00001.
gnomAD v4.1: 3 of 1,613,844 alleles (0.00019%); highest among the groups gnomAD compares: Admixed American, 0.0033%; no homozygotes.

Submission:

Labcorp Genetics (formerly Invitae), Labcorp
Classification: Uncertain significance for Aortic aneurysm, familial thoracic 7. Last evaluated: 2025-09-09. Review status: criteria provided, single submitter. Criteria: Invitae Variant Classification Sherloc (09022015). Collection method: clinical testing. Allele origin: germline.
Comment: This sequence change creates a premature translational stop signal (p.Gln315*) in the MYLK gene. This variant occurs in the long isoform of MYLK (PMID: 21055718). The current clinical and genetic evidence is not sufficient to establish whether loss-of-function variants in the long isoform of MYLK cause disease. This variant is present in population databases (no rsID available, gnomAD 0.004%). This variant has not been reported in the literature in individuals affected with MYLK-related conditions. ClinVar contains an entry for this variant (Variation ID: 2782044). In summary, the available evidence is currently insufficient to determine the role of this variant in disease. Therefore, it has been classified as a Variant of Uncertain Significance.

Literature cited by the submitters: PubMed 21055718.